The following is an entry in ClinVar:

ClinVar aggregate classification (germline): Uncertain significance (1 of 4 stars; one submission).

Allele frequency attached by ClinVar (database versions not stated): TOPMed below 0.00001; gnomAD 0.00001; gnomAD exomes 0.00001.

Submission:

Labcorp Genetics (formerly Invitae), Labcorp
Classification: Uncertain significance. Last evaluated: 2021-09-01. Review status: criteria provided, single submitter. Criteria: Invitae Variant Classification Sherloc (09022015). Collection method: clinical testing. Allele origin: germline.
Comment: This sequence change replaces proline with serine at codon 118 of the HMX1 protein (p.Pro118Ser). The proline residue is moderately conserved and there is a moderate physicochemical difference between proline and serine. The frequency data for this variant in the population databases is considered unreliable, as metrics indicate insufficient coverage at this position in the ExAC database. This variant has not been reported in the literature in individuals affected with HMX1-related conditions. Algorithms developed to predict the effect of missense changes on protein structure and function output the following: SIFT: "Tolerated"; PolyPhen-2: "Benign"; Align-GVGD: "Class C0". The serine amino acid residue is found in multiple mammalian species, which suggests that this missense change does not adversely affect protein function. In summary, the available evidence is currently insufficient to determine the role of this variant in disease. Therefore, it has been classified as a Variant of Uncertain Significance.

NM_018942.3(HMX1):c.352C>T (p.Pro118Ser)

Gene: HMX1 (H6 family homeobox 1; minus strand). Cytogenetic location: 4p16.1.
Variant type: single nucleotide variant.
Coding change: c.352C>T on transcript NM_018942.3 (MANE Select); coding-DNA position 352, C replaced by T.
Protein change: p.Pro118Ser; replaces proline 118 with serine.
Molecular consequence: missense variant.
Genome position (GRCh38, 1-based): chr4:8,871,263, G>A on the plus strand (C>T on the coding strand, the complement: HMX1 is on the minus strand). VCF-style: chr4-8871263-G-A. GRCh37 (hg19) VCF-style: chr4-8872989-G-A.
Other names: c.352C>T, p.Pro118Ser (NM_001306142.2); short protein forms P118S.
Identifiers: ClinVar variation 1006957 (VCV001006957.6), dbSNP rs1197189167, ClinGen allele CA356278805.